The following is an entry in ClinVar:

NM_198576.4(AGRN):c.1177+109_1178-99del

Gene: AGRN (agrin; plus strand). Cytogenetic location: 1p36.33.
Variant type: Deletion.
Coding change: c.1177+109_1178-99del on transcript NM_198576.4 (MANE Select); 109 bases into the intron after coding-DNA position 1177 through 99 bases into the intron before coding-DNA position 1178, 47 bases deleted.
Molecular consequence: intron variant.
Genome position (GRCh38, 1-based): chr1:1,041,811-1,041,857, 47 bases deleted; deleting any 47 consecutive bases within chr1:1,041,777-1,041,857 gives the same sequence; the c. name uses the placement nearest the transcript's 3' end. GRCh37 (hg19): chr1:977,191-977,237.
Other names: c.1177+109_1178-99del (NM_001305275.2); c.862+109_863-99del (NM_001364727.2).
Identifiers: ClinVar variation 679581 (VCV000679581.1), dbSNP rs70949546, ClinGen allele CA520625383.

ClinVar aggregate classification (germline): Benign (1 of 4 stars; one submission).

Submission:

GeneDx
Classification: Benign. Last evaluated: 2018-06-19. Review status: criteria provided, single submitter. Criteria: GeneDx Variant Classification (06012015). Collection method: clinical testing. Allele origin: germline. Affected: yes.
Comment: This variant is considered likely benign or benign based on one or more of the following criteria: it is a conservative change, it occurs at a poorly conserved position in the protein, it is predicted to be benign by multiple in silico algorithms, and/or has population frequency not consistent with disease.